The following is an entry in ClinVar:

ClinVar aggregate classification (germline): Uncertain significance (1 of 4 stars; one submission).

Submission:

Labcorp Genetics (formerly Invitae), Labcorp
Classification: Uncertain significance. Last evaluated: 2024-11-21. Review status: criteria provided, single submitter. Criteria: Invitae Variant Classification Sherloc (09022015). Collection method: clinical testing. Allele origin: germline.
Comment: This sequence change replaces aspartic acid, which is acidic and polar, with glutamic acid, which is acidic and polar, at codon 154 of the OAS1 protein (p.Asp154Glu). This variant is not present in population databases (gnomAD no frequency). This variant has not been reported in the literature in individuals affected with OAS1-related conditions. An algorithm developed to predict the effect of missense changes on protein structure and function (PolyPhen-2) suggests that this variant is likely to be disruptive. In summary, the available evidence is currently insufficient to determine the role of this variant in disease. Therefore, it has been classified as a Variant of Uncertain Significance.

NM_016816.4(OAS1):c.462T>G (p.Asp154Glu)

Gene: OAS1 (2'-5'-oligoadenylate synthetase 1; plus strand). Cytogenetic location: 12q24.13.
Variant type: single nucleotide variant.
Coding change: c.462T>G on transcript NM_016816.4 (MANE Select); coding-DNA position 462, T replaced by G.
Protein change: p.Asp154Glu; replaces aspartic acid 154 with glutamic acid.
Molecular consequence: missense variant. On other transcripts: non-coding transcript variant (9), intron variant (4).
Genome position (GRCh38, 1-based): chr12:112,908,817, T>G. VCF-style: chr12-112908817-T-G. GRCh37 (hg19) VCF-style: chr12-113346622-T-G.
Other names: c.462T>G, p.Asp154Glu (NM_001032409.3, NM_001320151.2, NM_001406020.1 and 6 more transcripts); c.180+1598T>G (NM_001406030.1, NM_001406029.1, NM_001406027.1 and 1 more transcripts); short protein forms D154E.
Identifiers: ClinVar variation 3724875 (VCV003724875.2).